The following is an entry in ClinVar:

NM_139137.4(KCNC2):c.1647G>C (p.Glu549Asp)

Gene: KCNC2 (potassium voltage-gated channel subfamily C member 2; minus strand). Cytogenetic location: 12q21.1.
Variant type: single nucleotide variant.
Coding change: c.1647G>C on transcript NM_139137.4 (MANE Select); coding-DNA position 1647, G replaced by C.
Protein change: p.Glu549Asp; replaces glutamic acid 549 with aspartic acid.
Molecular consequence: missense variant. On other transcripts: non-coding transcript variant (2), intron variant (6).
Genome position (GRCh38, 1-based): chr12:75,048,286, C>G on the plus strand (G>C on the coding strand, the complement: KCNC2 is on the minus strand). VCF-style: chr12-75048286-C-G. GRCh37 (hg19) VCF-style: chr12-75442066-C-G.
Other names: c.1647G>C, p.Glu549Asp (NM_001260497.2, NM_001260498.2, NM_001414192.1 and 4 more transcripts); c.1751G>C, p.Ser584Thr (NM_001414202.1, NM_001414206.1, NM_001414213.1); c.1615+2104G>C (NM_001414199.1, NM_153748.3, NM_001260499.2); c.1616-20G>C (NM_001414194.1, NM_001414198.1); c.1762+1556G>C (NM_001414197.1); short protein forms E549D, S584T.
Identifiers: ClinVar variation 3731524 (VCV003731524.1).

ClinVar aggregate classification (germline): Uncertain significance (1 of 4 stars; one submission).

Conditions:
Developmental and epileptic encephalopathy 103 (DEE103). Identifiers: MedGen C5677002, MONDO:0030957, OMIM 619913.

Submission:

Neuberg Centre For Genomic Medicine, NCGM
Classification: Uncertain significance for Developmental and epileptic encephalopathy 103. Last evaluated: 2023-06-22. Review status: criteria provided, single submitter. Criteria: ACMG Guidelines, 2015. Collection method: clinical testing. Allele origin: germline. Inheritance: Autosomal dominant inheritance. Affected: yes.
Comment: The observed missense c.1647G>C(p.Glu549Asp) variant in KCNC2 gene has not been reported previously as a pathogenic variant nor as a benign variant, to our knowledge. This variant is absent in gnomAD Exomes. The amino acid Glu at position 549 is changed to a Asp changing protein sequence and it might alter its composition and physico-chemical properties. The amino acid change p.Glu549Asp in KCNC2 is predicted as conserved by GERP++ and PhyloP across 100 vertebrates. Computational evidence (Polyphen - Benign, SIFT - Tolerated, and MutationTaster - Disease causing/Polymorphism) predicts conflicting evidence on protein structure and function for this variant. For these reasons, this variant has been classified as Uncertain Significance.